The following is an entry in ClinVar:

NM_001903.5(CTNNA1):c.2713A>G (p.Ser905Gly)

Gene: CTNNA1 (catenin alpha 1; plus strand). Cytogenetic location: 5q31.2.
Variant type: single nucleotide variant.
Coding change: c.2713A>G on transcript NM_001903.5 (MANE Select); coding-DNA position 2713, A replaced by G.
Protein change: p.Ser905Gly; replaces serine 905 with glycine.
Molecular consequence: missense variant. On other transcripts: 3 prime UTR variant (5).
Genome position (GRCh38, 1-based): chr5:138,934,081, A>G. VCF-style: chr5-138934081-A-G. GRCh37 (hg19) VCF-style: chr5-138269770-A-G.
Other names: c.*258A>G (NM_001290307.3, NM_001324002.1, NM_001324003.1 and 2 more transcripts); c.2404A>G, p.Ser802Gly (NM_001290309.3); c.2344A>G, p.Ser782Gly (NM_001290310.3); c.1603A>G, p.Ser535Gly (NM_001290312.1, NM_001323987.1, NM_001323988.1 and 12 more transcripts); c.2713A>G, p.Ser905Gly (NM_001323982.2, NM_001323983.1, NM_001323984.2); c.2686A>G, p.Ser896Gly (NM_001323985.2); c.2620A>G, p.Ser874Gly (NM_001323986.2); c.1468A>G, p.Ser490Gly (NM_001324001.1); and 3 more; short protein forms S422G, S490G, S802G, S874G, S905G, S454G, S535G, S782G.
Identifiers: ClinVar variation 658398 (VCV000658398.13), dbSNP rs750741242, ClinGen allele CA3432289.

ClinVar aggregate classification (germline): Uncertain significance. Review status: criteria provided, multiple submitters, no conflicts (2 of 4 stars). 3 submissions from 3 submitters: Uncertain significance (3). Last evaluated 2025-06-18.

Conditions:
Hereditary cancer-predisposing syndrome. Also called: Hereditary neoplastic syndrome; Neoplastic Syndromes, Hereditary; Hereditary Cancer Syndrome; Tumor predisposition. Identifiers: Orphanet 140162, MedGen C0027672, MeSH D009386, MONDO:0015356.

Allele frequency attached by ClinVar (database versions not stated): gnomAD exomes below 0.00001 and 0.00001; ExAC 0.00001; gnomAD 0.00001; TOPMed 0.00002.
gnomAD v4.1: 5 of 1,611,544 alleles (0.00031%); highest among the groups gnomAD compares: African/African-American, 0.004%; no homozygotes.

Submissions (3):

Labcorp Genetics (formerly Invitae), Labcorp
Classification: Uncertain significance. Last evaluated: 2025-06-18. Review status: criteria provided, single submitter. Criteria: Invitae Variant Classification Sherloc (09022015). Collection method: clinical testing. Allele origin: germline.
Comment: This sequence change replaces serine, which is neutral and polar, with glycine, which is neutral and non-polar, at codon 905 of the CTNNA1 protein (p.Ser905Gly). This variant is present in population databases (rs750741242, gnomAD 0.007%). This variant has not been reported in the literature in individuals affected with CTNNA1-related conditions. ClinVar contains an entry for this variant (Variation ID: 658398). An algorithm developed to predict the effect of missense changes on protein structure and function (PolyPhen-2) suggests that this variant is likely to be disruptive. In summary, the available evidence is currently insufficient to determine the role of this variant in disease. Therefore, it has been classified as a Variant of Uncertain Significance.

Ambry Genetics
Classification: Uncertain significance for Hereditary cancer-predisposing syndrome. Last evaluated: 2024-09-26. Review status: criteria provided, single submitter. Criteria: Ambry Variant Classification Scheme 2023. Collection method: clinical testing. Allele origin: germline.
Comment: The p.S905G variant (also known as c.2713A>G), located in coding exon 17 of the CTNNA1 gene, results from an A to G substitution at nucleotide position 2713. The serine at codon 905 is replaced by glycine, an amino acid with similar properties. This amino acid position is highly conserved in available vertebrate species. In addition, the in silico prediction for this alteration is inconclusive. The evidence for this gene-disease relationship is limited; therefore, the clinical significance of this alteration is unclear.

GeneDx
Classification: Uncertain significance. Last evaluated: 2023-11-30. Review status: criteria provided, single submitter. Criteria: GeneDx Variant Classification Process June 2021. Collection method: clinical testing. Allele origin: germline. Affected: yes.
Comment: Not observed at significant frequency in large population cohorts (gnomAD); In silico analysis supports that this missense variant does not alter protein structure/function; Observed in individuals referred for hereditary cancer multi-gene panel testing (PMID: 32051609); This variant is associated with the following publications: (PMID: 32051609)